The following is an entry in ClinVar:

ClinVar aggregate classification (germline): Likely benign. Review status: reviewed by expert panel (3 of 4 stars). 6 submissions from 6 submitters: Likely benign (1). 5 of the submissions do not count toward it. Last evaluated 2025-06-17.

Conditions:
Autosomal recessive limb-girdle muscular dystrophy. Identifiers: Orphanet 102015, MedGen C2931907, MONDO:0015152.
Neuromuscular disease caused by qualitative or quantitative defects of dysferlin. Also called: Dysferlinopathy; Qualitative or quantitative defects of dysferlin. Identifiers: Orphanet 207073, MedGen C2931687, MONDO:0016145.
Autosomal recessive limb-girdle muscular dystrophy type 2B (LGMDR2). Also called: MUSCULAR DYSTROPHY, LIMB-GIRDLE, AUTOSOMAL RECESSIVE 2; Limb-girdle muscular dystrophy, type 2B; Limb-Girdle Muscular Dystrophy Type 2B (LGMD2B); MUSCULAR DYSTROPHY, LIMB-GIRDLE, TYPE 3. Identifiers: Orphanet 268, MedGen C1850889, MONDO:0009676, OMIM 253601.

Allele frequency attached by ClinVar (database versions not stated): gnomAD 0.00002 and 0.00003; gnomAD exomes 0.00002 and 0.00001; TOPMed 0.00003; ExAC 0.00005.
gnomAD v4.1: 16 of 1,551,696 alleles (0.001%); highest among the groups gnomAD compares: African/African-American, 0.0068%; no homozygotes.

Submissions (6):

ClinGen Limb Girdle Muscular Dystrophy Variant Curation Expert Panel, ClinGen
Classification: Likely benign for Autosomal recessive limb-girdle muscular dystrophy. Last evaluated: 2025-06-17. Review status: reviewed by expert panel. Criteria: ClinGen LGMD VCEP ACMG Specifications DYSF V1.0.0. Collection method: curation. Allele origin: germline. Inheritance: Autosomal recessive inheritance.
Comment: The NM_003494.4: c.401C>T variant in DYSF, which is also known as NM_001130987.2: c.404C>T p.(Pro135Leu), is a missense variant predicted to cause substitution of proline by leucine at amino acid 134, p.(Pro134Leu). This variant has been observed in two individuals with features consistent with LGMD (PMID: 36983702; 23406536; 30564623; LOVD Individual #00222735); however, in both cases it was identified in cis with a null variant, including one classified as pathogenic by the ClinGen LGMD VCEP (NM_003494.4: c.5022del p.(Phe1674LeufsTer48), PMID: 36983702) (BP2; PP4 and PM3 not applicable). The filtering allele frequency of this variant is 0.0001865 in gnomAD v4.1.0 genomes (the upper threshold of the 95% CI of 3/41580 African/African American chromosomes), which is greater than the ClinGen LGMD VCEP threshold for PM2_Supporting (≤0.0001) (PM2 not met). Immunofluorescence and 2-A assays of dysferlin membrane localization in HEK293T cells showed that the Pro134Leu protein reached the cell membrane, indicating no significant impact on this aspect of protein function (PMID: 35028538; BS3 not met). The computational predictor REVEL gives a score of 0.15, which is above the LGMD VCEP threshold of ≤0.1 for BP4 (criterion not met). In summary, this variant meets the criteria to be classified as Likely Benign for autosomal recessive limb girdle muscular dystrophy based on the ACMG/AMP criteria applied, as specified by the ClinGen LGMD VCEP (LGMD VCEP specifications version 1.0.0; 06/17/2025): BP2.

Labcorp Genetics (formerly Invitae), Labcorp
Classification: Likely benign for Neuromuscular disease caused by qualitative or quantitative defects of dysferlin. Last evaluated: 2025-12-24. Review status: criteria provided, single submitter. Criteria: Invitae Variant Classification Sherloc (09022015). Collection method: clinical testing. Allele origin: germline. Not counted in ClinVar's aggregate classification.

CeGaT Center for Human Genetics Tuebingen
Classification: Uncertain significance. Last evaluated: 2024-07-01. Review status: criteria provided, single submitter. Criteria: CeGaT Center For Human Genetics Tuebingen Variant Classification Criteria Version 2. Collection method: clinical testing. Allele origin: germline. Affected: yes. Observed: 2 variant alleles. Not counted in ClinVar's aggregate classification.
Comment: DYSF: PM2, PM3, BP4

Women's Health and Genetics/Laboratory Corporation of America, LabCorp
Classification: Uncertain significance. Last evaluated: 2022-02-03. Review status: criteria provided, single submitter. Criteria: LabCorp Variant Classification Summary - May 2015. Collection method: clinical testing. Allele origin: germline. Not counted in ClinVar's aggregate classification.
Comment: Variant summary: DYSF c.401C>T (p.Pro134Leu) results in a non-conservative amino acid change in the encoded protein sequence. Three of five in-silico tools predict a benign effect of the variant on protein function. The variant allele was found at a frequency of 1.9e-05 in 156876 control chromosomes (gnomAD). The available data on variant occurrences in the general population are insufficient to allow any conclusion about variant significance. c.401C>T has been reported in the literature in one individual affected with dysferlinopathy (Walter_2013). The report does not provide unequivocal conclusions about association of the variant with Limb-Girdle Muscular Dystrophy, Autosomal Recessive. To our knowledge, no experimental evidence demonstrating an impact on protein function has been reported. Three ClinVar submitters (evaluation after 2014) cite the variant as uncertain significance (n=2) and likely pathogenic (n=1). Based on the evidence outlined above, the variant was classified as uncertain significance.

Eurofins Ntd Llc (ga)
Classification: Uncertain significance. Last evaluated: 2015-10-30. Review status: criteria provided, single submitter. Criteria: EGL Classification Definitions 2015. Collection method: clinical testing. Allele origin: germline. Observed: 1 variant allele, 1 heterozygote. Not counted in ClinVar's aggregate classification.

Counsyl
Classification: Uncertain significance for Autosomal recessive limb-girdle muscular dystrophy type 2B. Last evaluated: 2017-09-26. Review status: no assertion criteria provided. Collection method: clinical testing. Allele origin: unknown. Not counted in ClinVar's aggregate classification.

Literature cited by the submitters: PubMed 23406536 (cited by Women's Health and Genetics/Laboratory Corporation of America, LabCorp and Counsyl).

NM_001130987.2(DYSF):c.404C>T (p.Pro135Leu)

Gene: DYSF (dysferlin; plus strand). Cytogenetic location: 2p13.2.
Variant type: single nucleotide variant.
Coding change: c.404C>T on transcript NM_001130987.2 (MANE Select); coding-DNA position 404, C replaced by T.
Protein change: p.Pro135Leu; replaces proline 135 with leucine.
Molecular consequence: missense variant.
Genome position (GRCh38, 1-based): chr2:71,511,865, C>T. VCF-style: chr2-71511865-C-T. GRCh37 (hg19) VCF-style: chr2-71738995-C-T.
Other names: NM_001130987.2(DYSF):c.404C>T; p.Pro135Leu; c.404C>T, p.Pro135Leu (NM_001130455.2, NM_001130982.2, NM_001130983.2 and 3 more transcripts); c.401C>T, p.Pro134Leu (NM_001130976.2, NM_001130977.2, NM_001130978.2 and 4 more transcripts); short protein forms P135L, P134L.
Identifiers: ClinVar variation 284579 (VCV000284579.54), dbSNP rs773837400, ClinGen allele CA1705344.